The following is an entry in ClinVar:

NM_176824.3(BBS7):c.1124C>T (p.Ala375Val)

Gene: BBS7 (Bardet-Biedl syndrome 7; minus strand). Cytogenetic location: 4q27.
Variant type: single nucleotide variant.
Coding change: c.1124C>T on transcript NM_176824.3 (MANE Select); coding-DNA position 1124, C replaced by T.
Protein change: p.Ala375Val; replaces alanine 375 with valine.
Molecular consequence: missense variant.
Genome position (GRCh38, 1-based): chr4:121,845,610, G>A on the plus strand (C>T on the coding strand, the complement: BBS7 is on the minus strand). VCF-style: chr4-121845610-G-A. GRCh37 (hg19) VCF-style: chr4-122766765-G-A.
Other names: c.1124C>T, p.Ala375Val (NM_018190.4); short protein forms A375V.
Identifiers: ClinVar variation 1352941 (VCV001352941.3), dbSNP rs749603454, ClinGen allele CA3064316.

ClinVar aggregate classification (germline): Uncertain significance (1 of 4 stars; one submission).

Conditions:
Bardet-Biedl syndrome (BBS). Identifiers: Orphanet 110, MedGen C0752166, MONDO:0015229.

Allele frequency attached by ClinVar (database versions not stated): gnomAD exomes below 0.00001 and 0.00001; TOPMed below 0.00001; ExAC 0.00001.
gnomAD v4.1: 6 of 1,612,444 alleles (0.00037%); highest among the groups gnomAD compares: Non-Finnish European, 0.00051%; no homozygotes.

Submission:

Labcorp Genetics (formerly Invitae), Labcorp
Classification: Uncertain significance for Bardet-Biedl syndrome. Last evaluated: 2021-08-23. Review status: criteria provided, single submitter. Criteria: Invitae Variant Classification Sherloc (09022015). Collection method: clinical testing. Allele origin: germline.
Comment: This sequence change replaces alanine with valine at codon 375 of the BBS7 protein (p.Ala375Val). The alanine residue is moderately conserved and there is a small physicochemical difference between alanine and valine. This variant is present in population databases (rs749603454, ExAC 0.002%). This variant has not been reported in the literature in individuals affected with BBS7-related conditions. Algorithms developed to predict the effect of missense changes on protein structure and function (SIFT, PolyPhen-2, Align-GVGD) all suggest that this variant is likely to be tolerated. In summary, the available evidence is currently insufficient to determine the role of this variant in disease. Therefore, it has been classified as a Variant of Uncertain Significance.